The following is an entry in ClinVar:

NM_145059.3(FCSK):c.1407-1G>C

Gene: FCSK (fucose kinase; plus strand). Cytogenetic location: 16q22.1.
Variant type: single nucleotide variant.
Coding change: c.1407-1G>C on transcript NM_145059.3 (MANE Select); the canonical splice acceptor site of the intron before coding-DNA position 1407, G replaced by C.
Molecular consequence: splice acceptor variant.
Genome position (GRCh38, 1-based): chr16:70,472,982, G>C. VCF-style: chr16-70472982-G-C. GRCh37 (hg19) VCF-style: chr16-70506885-G-C.
Identifiers: ClinVar variation 1705108 (VCV001705108.8), dbSNP rs201291016, ClinGen allele CA8143336.
Genomic context (GRCh38, chr16:70,472,982, plus strand): 5'-CTTGGGGAAGAGACTGGAGCTTTTGCTTCCCTCCTGGGAATGTGCCTTCTCCCCACATCA[G>C]AGCCTGGGACCTGTGGGACCCTGAGACGCTGCCCGCAGAGTACTGCCTTCCCAGCGCCCG-3'

ClinVar aggregate classification (germline): Conflicting classifications of pathogenicity. Review status: criteria provided, conflicting classifications (1 of 4 stars). 3 submissions from 3 submitters: Likely pathogenic (1); Uncertain significance (2). Last evaluated 2025-10-10.

Conditions:
Congenital disorder of glycosylation with defective fucosylation 2 (CDGF2). Identifiers: MedGen C5193028, MONDO:0020777, OMIM 618324.

Allele frequency attached by ClinVar (database versions not stated): gnomAD 0.00016; gnomAD exomes 0.00020; ESP Exome Variant Server 0.00024; ExAC 0.00031; TOPMed 0.00038.
gnomAD v4.1: 328 of 1,601,778 alleles (0.02%); highest among the groups gnomAD compares: Middle Eastern, 0.066%; no homozygotes.

Submissions (5):

Labcorp Genetics (formerly Invitae), Labcorp
Classification: Uncertain significance. Last evaluated: 2025-10-10. Review status: criteria provided, single submitter. Criteria: Invitae Variant Classification Sherloc (09022015). Collection method: clinical testing. Allele origin: germline.
Comment: This sequence change affects an acceptor splice site in intron 14 of the FUK gene. It is expected to disrupt RNA splicing. Variants that disrupt the donor or acceptor splice site typically lead to a loss of protein function (PMID: 16199547), however the current clinical and genetic evidence is not sufficient to establish whether loss-of-function variants in FUK cause disease. This variant is present in population databases (rs201291016, gnomAD 0.04%). This variant has not been reported in the literature in individuals affected with FUK-related conditions. ClinVar contains an entry for this variant (Variation ID: 1705108). Algorithms developed to predict the effect of sequence changes on RNA splicing suggest that this variant may disrupt the consensus splice site. In summary, the available evidence is currently insufficient to determine the role of this variant in disease. Therefore, it has been classified as a Variant of Uncertain Significance.

Women's Health and Genetics/Laboratory Corporation of America, LabCorp
Classification: Uncertain significance. Last evaluated: 2023-09-11. Review status: criteria provided, single submitter. Criteria: LabCorp Variant Classification Summary - May 2015. Collection method: clinical testing. Allele origin: germline.
Comment: Variant summary: FCSK c.1407-1G>C is located in a canonical splice-site and is predicted to affect mRNA splicing resulting in a significantly altered protein due to either exon skipping, shortening, or inclusion of intronic material. Several computational tools predict a significant impact on normal splicing: Four predict the variant abolishes the canonical 3' acceptor site and also creates a new 3' acceptor site. However, these predictions have yet to be confirmed by functional studies. Additionally, the current clinical and genetic evidence is not sufficient to establish whether loss-of-function variants in this gene are causitive of disease. The variant was absent in 259244 control chromosomes (gnomAD). The available data on variant occurrences in the general population are insufficient to allow any conclusion about variant significance. To our knowledge, no occurrence of c.1407-1G>C in individuals affected with Congenital Disorder Of Glycosylation With Defective Fucosylation and no experimental evidence demonstrating its impact on protein function have been reported. Two submitters have cited clinical-significance assessments for this variant to ClinVar after 2014. One submitter classified the variant as likely pathogenic, and one submitter classified the variant as uncertain significance. Based on the evidence outlined above, the variant was classified as uncertain significance.

3billion
Classification: Likely pathogenic for Congenital disorder of glycosylation with defective fucosylation 2. Last evaluated: 2022-09-01. Review status: criteria provided, single submitter. Criteria: ACMG Guidelines, 2015. Collection method: clinical testing. Allele origin: germline. Affected: yes. Observed: 1 homozygote.
Comment: The variant is observed at an extremely low frequency in the gnomAD v2.1.1 dataset (total allele frequency: 0.019%). This variant on the canonical splice site is predicted to alter splicing and result in a loss or disruption of normal protein function. A pathogenic loss-of-function variant is reported downstream of the variant. Therefore, this variant is classified as Likely pathogenic according to the recommendation of ACMG/AMP guideline.

Dr. Peter K. Rogan Lab, Western University
No classification provided (evidence only). Condition: Malignant tumor of esophagus. Review status: no classification provided. Collection method: in vitro. Allele origin: not applicable. Functional consequence: retained intron. Not counted in ClinVar's aggregate classification.

Dr. Peter K. Rogan Lab, Western University
No classification provided (evidence only). Condition: Lymphoma. Review status: no classification provided. Collection method: in vitro. Allele origin: not applicable. Functional consequence: cryptic splice site, retained intron. Not counted in ClinVar's aggregate classification.

Literature cited by the submitters: PubMed 16199547 (cited by Labcorp Genetics (formerly Invitae), Labcorp).